The following is an entry in ClinVar:

NM_004371.4(COPA):c.1073G>A (p.Arg358Gln)

Gene: COPA (coat protein complex I subunit alpha; minus strand). Cytogenetic location: 1q23.2.
Variant type: single nucleotide variant.
Coding change: c.1073G>A on transcript NM_004371.4 (MANE Select); coding-DNA position 1073, G replaced by A.
Protein change: p.Arg358Gln; replaces arginine 358 with glutamine.
Molecular consequence: missense variant.
Genome position (GRCh38, 1-based): chr1:160,311,871, C>T on the plus strand (G>A on the coding strand, the complement: COPA is on the minus strand). VCF-style: chr1-160311871-C-T. GRCh37 (hg19) VCF-style: chr1-160281661-C-T.
Other names: c.1073G>A, p.Arg358Gln (NM_001098398.2); c.1073G>A (NM_001098398.1); short protein forms R358Q.
Identifiers: ClinVar variation 1042546 (VCV001042546.10), dbSNP rs769060273, ClinGen allele CA1198221.
Genomic context (GRCh38, chr1:160,311,871, plus strand): 5'-AGTTGTATCAGGGTGACAGATGAGAGGGTTTGGAGGAAAGAAACAAGTCCGATTTACCTC[C>T]GCAACTGCATCACAGCTACATCTTTGGAGCTGTTGAAATCCAGCTGTCGTAAGAATCGGT-3'
Protein context (NP_004362.2, residues 348-368): SSKDVAVMQL[Arg358Gln]SGSKFPVFNM

ClinVar aggregate classification (germline): Uncertain significance. Review status: criteria provided, multiple submitters, no conflicts (2 of 4 stars). 2 submissions from 2 submitters: Uncertain significance (2). Last evaluated 2024-11-04.

Conditions:
Inborn genetic diseases. Identifiers: MedGen C0950123, MeSH D030342.
Autoimmune interstitial lung disease-arthritis syndrome. Also called: Autoinflammation and autoimmunity, systemic, with immune dysregulation. Identifiers: Orphanet 444092, MedGen C5975714, MONDO:0014629.

Allele frequency attached by ClinVar (database versions not stated): ExAC 0.00001; TOPMed 0.00001.
gnomAD v4.1: 6 of 1,611,442 alleles (0.00037%); highest among the groups gnomAD compares: Non-Finnish European, 0.00042%; no homozygotes.

Submissions (2):

Labcorp Genetics (formerly Invitae), Labcorp
Classification: Uncertain significance for Autoimmune interstitial lung disease-arthritis syndrome. Last evaluated: 2024-11-04. Review status: criteria provided, single submitter. Criteria: Invitae Variant Classification Sherloc (09022015). Collection method: clinical testing. Allele origin: germline.
Comment: This sequence change replaces arginine, which is basic and polar, with glutamine, which is neutral and polar, at codon 358 of the COPA protein (p.Arg358Gln). This variant is present in population databases (rs769060273, gnomAD 0.0009%). This variant has not been reported in the literature in individuals affected with COPA-related conditions. ClinVar contains an entry for this variant (Variation ID: 1042546). Invitae Evidence Modeling of protein sequence and biophysical properties (such as structural, functional, and spatial information, amino acid conservation, physicochemical variation, residue mobility, and thermodynamic stability) has been performed for this missense variant. However, the output from this modeling did not meet the statistical confidence thresholds required to predict the impact of this variant on COPA protein function. In summary, the available evidence is currently insufficient to determine the role of this variant in disease. Therefore, it has been classified as a Variant of Uncertain Significance.

Ambry Genetics
Classification: Uncertain significance for Inborn genetic diseases. Last evaluated: 2023-11-21. Review status: criteria provided, single submitter. Criteria: Ambry Variant Classification Scheme 2023. Collection method: clinical testing. Allele origin: germline.